The following is an entry in ClinVar:

NM_003743.5(NCOA1):c.3112A>G (p.Met1038Val)

Gene: NCOA1 (nuclear receptor coactivator 1; plus strand). Cytogenetic location: 2p23.3.
Variant type: single nucleotide variant.
Coding change: c.3112A>G on transcript NM_003743.5 (MANE Select); coding-DNA position 3112, A replaced by G.
Protein change: p.Met1038Val; replaces methionine 1038 with valine.
Molecular consequence: missense variant.
Genome position (GRCh38, 1-based): chr2:24,729,726, A>G. VCF-style: chr2-24729726-A-G. GRCh37 (hg19) VCF-style: chr2-24952595-A-G.
Other names: c.3112A>G, p.Met1038Val (NM_001362950.1, NM_001362952.1, NM_001362954.1 and 3 more transcripts); short protein forms M1038V.
Identifiers: ClinVar variation 4994230 (VCV004994230.1).

ClinVar aggregate classification (germline): Uncertain significance (1 of 4 stars; one submission).

Conditions:
NCOA1-related disorder. Also called: NCOA1-related condition.

Submission:

PreventionGenetics, part of Exact Sciences
Classification: Uncertain significance for NCOA1-related condition. Last evaluated: 2025-11-18. Review status: criteria provided, single submitter. Criteria: ACMG Guidelines, 2015. Collection method: clinical testing. Allele origin: germline.
Comment: The NCOA1 c.3112A>G variant is predicted to result in the amino acid substitution p.Met1038Val. To our knowledge, this variant has not been reported in the literature or in a large population database (gnomAD), indicating this variant is rare. At this time, the clinical significance of this variant is uncertain due to the absence of conclusive functional and genetic evidence.